The following is an entry in ClinVar:

ClinVar aggregate classification (germline): Uncertain significance (1 of 4 stars; one submission).

Conditions:
Hereditary cancer-predisposing syndrome. Also called: Neoplastic Syndromes, Hereditary; Tumor predisposition; Hereditary Cancer Syndrome; Hereditary neoplastic syndrome. Identifiers: Orphanet 140162, MedGen C0027672, MeSH D009386, MONDO:0015356.

Submission:

Ambry Genetics
Classification: Uncertain significance for Hereditary cancer-predisposing syndrome. Last evaluated: 2022-07-17. Review status: criteria provided, single submitter. Criteria: Ambry Variant Classification Scheme 2023. Collection method: clinical testing. Allele origin: germline.
Comment: The p.S56C variant (also known as c.166A>T), located in coding exon 1 of the CDKN1B gene, results from an A to T substitution at nucleotide position 166. The serine at codon 56 is replaced by cysteine, an amino acid with dissimilar properties. This amino acid position is conserved. In addition, this alteration is predicted to be tolerated by in silico analysis. Since supporting evidence is limited at this time, the clinical significance of this alteration remains unclear.

NM_004064.5(CDKN1B):c.166A>T (p.Ser56Cys)

Gene: CDKN1B (cyclin dependent kinase inhibitor 1B; plus strand). Cytogenetic location: 12p13.1.
Variant type: single nucleotide variant.
Coding change: c.166A>T on transcript NM_004064.5 (MANE Select); coding-DNA position 166, A replaced by T.
Protein change: p.Ser56Cys; replaces serine 56 with cysteine.
Molecular consequence: missense variant.
Genome position (GRCh38, 1-based): chr12:12,718,005, A>T. VCF-style: chr12-12718005-A-T. GRCh37 (hg19) VCF-style: chr12-12870939-A-T.
Other names: short protein forms S56C.
Identifiers: ClinVar variation 1777645 (VCV001777645.2), dbSNP rs1465844938, ClinGen allele CA383969136.
Genomic context (GRCh38, chr12:12,718,005, plus strand): 5'-GTGGACCACGAAGAGTTAACCCGGGACTTGGAGAAGCACTGCAGAGACATGGAAGAGGCG[A>T]GCCAGCGCAAGTGGAATTTCGATTTTCAGAATCACAAACCCCTAGAGGGCAAGTACGAGT-3'
Protein context (NP_004055.1, residues 46-66): EKHCRDMEEA[Ser56Cys]QRKWNFDFQN